The following is an entry in ClinVar:

NM_001079843.3(CASZ1):c.3654C>A (p.Asp1218Glu)

Gene: CASZ1 (castor zinc finger 1; minus strand). Cytogenetic location: 1p36.22.
Variant type: single nucleotide variant.
Coding change: c.3654C>A on transcript NM_001079843.3 (MANE Select); coding-DNA position 3654, C replaced by A.
Protein change: p.Asp1218Glu; replaces aspartic acid 1218 with glutamic acid.
Molecular consequence: missense variant.
Genome position (GRCh38, 1-based): chr1:10,646,170, G>T on the plus strand (C>A on the coding strand, the complement: CASZ1 is on the minus strand). VCF-style: chr1-10646170-G-T. GRCh37 (hg19) VCF-style: chr1-10706227-G-T.
Other names: short protein forms D1218E.
Identifiers: ClinVar variation 4810953 (VCV004810953.1).

ClinVar aggregate classification (germline): Uncertain significance (1 of 4 stars; one submission).

Submission:

Labcorp Genetics (formerly Invitae), Labcorp
Classification: Uncertain significance. Last evaluated: 2025-05-13. Review status: criteria provided, single submitter. Criteria: Invitae Variant Classification Sherloc (09022015). Collection method: clinical testing. Allele origin: germline.
Comment: This sequence change replaces aspartic acid, which is acidic and polar, with glutamic acid, which is acidic and polar, at codon 1218 of the CASZ1 protein (p.Asp1218Glu). This variant is not present in population databases (gnomAD no frequency). This variant has not been reported in the literature in individuals affected with CASZ1-related conditions. An algorithm developed to predict the effect of missense changes on protein structure and function (PolyPhen-2) suggests that this variant is likely to be disruptive. In summary, the available evidence is currently insufficient to determine the role of this variant in disease. Therefore, it has been classified as a Variant of Uncertain Significance.